The following is an entry in ClinVar:

ClinVar aggregate classification (germline): Pathogenic/Likely pathogenic. Review status: criteria provided, multiple submitters, no conflicts (2 of 4 stars). 4 submissions from 4 submitters: Pathogenic (2); Likely pathogenic (1). 1 of the submissions does not count toward it. Last evaluated 2026-01-19.

Conditions:
X-linked severe congenital neutropenia (SCNX). Identifiers: Orphanet 86788, MedGen C1845987, MONDO:0010294, OMIM 300299.
Thrombocytopenia 1. Also called: THROMBOCYTOPENIA, X-LINKED, 1; X-Linked Thrombocytopenia (XLT); X-linked thrombocytopenia with normal platelets. Identifiers: Orphanet 268322, Orphanet 852, MedGen C1839163, MONDO:0010743, OMIM 313900.
Wiskott-Aldrich syndrome (WAS). Also called: WISKOTT-ALDRICH SYNDROME 1; ALDRICH SYNDROME; IMMUNODEFICIENCY 2; Wiskott-aldrich syndrome, somatic. Identifiers: Orphanet 906, MedGen C0043194, MONDO:0010518, OMIM 301000.

Submissions (4):

Labcorp Genetics (formerly Invitae), Labcorp
Classification: Pathogenic for Wiskott-Aldrich syndrome; X-linked severe congenital neutropenia; Thrombocytopenia 1. Last evaluated: 2026-01-19. Review status: criteria provided, single submitter. Criteria: Invitae Variant Classification Sherloc (09022015). Collection method: clinical testing. Allele origin: germline.
Comment: This sequence change replaces glutamic acid, which is acidic and polar, with lysine, which is basic and polar, at codon 31 of the WAS protein (p.Glu31Lys). This variant is not present in population databases (gnomAD no frequency). This missense change has been observed in individual(s) with Wiskott-Aldrich syndrome (PMID: 8528198, 8682510, 11442475, 15284122, 21185603, 22523910, 25476427, 25792466, 28623282). In at least one individual the variant was observed to be de novo. This variant is also known as c.125G>A. ClinVar contains an entry for this variant (Variation ID: 528222). Invitae Evidence Modeling of protein sequence and biophysical properties (such as structural, functional, and spatial information, amino acid conservation, physicochemical variation, residue mobility, and thermodynamic stability) indicates that this missense variant is not expected to disrupt WAS protein function with a negative predictive value of 95%. Experimental studies have shown that this missense change affects WAS function (PMID: 19817875). For these reasons, this variant has been classified as Pathogenic.

KCCC/NGS Laboratory, Kuwait Cancer Control Center
Classification: Pathogenic for Wiskott-Aldrich syndrome. Last evaluated: 2024-04-03. Review status: criteria provided, single submitter. Criteria: ACMG Guidelines, 2015. Collection method: clinical testing. Allele origin: germline. Inheritance: X-linked recessive inheritance. Affected: no.
Comment: This sequence change replaces glutamic acid, which is acidic and polar, with lysine, which is basic and polar, at codon 31 of the WAS protein (p.Glu31Lys). Experimental studies have shown that this missense change affects WAS function (PMID: 19817875). Advanced modeling of protein sequence and biophysical properties (such as structural, functional, and spatial information, amino acid conservation, physicochemical variation, residue mobility, and thermodynamic stability) performed at Invitae indicates that this missense variant is not expected to disrupt WAS protein function. ClinVar contains an entry for this variant (Variation ID: 528222). This variant is also known as c.125G>A. This missense change has been observed in individual(s) with Wiskott-Aldrich syndrome (PMID: 8528198, 8682510, 11442475, 15284122, 21185603, 22523910, 25476427, 25792466, 28623282). In at least one individual the variant was observed to be de novo. This variant is not present in population databases (gnomAD no frequency). For these reasons, this variant has been classified as Pathogenic.

GeneDx
Classification: Likely pathogenic. Last evaluated: 2018-05-17. Review status: criteria provided, single submitter. Criteria: GeneDx Variant Classification (06012015). Collection method: clinical testing. Allele origin: germline. Affected: yes.
Comment: The E31K variant has been published previously in association with Wiskott-Aldrich syndrome (Kolluri et al., 1995; Ariga et al., 1997). The variant is not observed in large population cohorts (Lek et al., 2016). E31K is a non-conservative amino acid substitution, which is likely to impact secondary protein structure as these residues differ in polarity, charge, size and/or other properties. In-silico analyses, including protein predictors and evolutionary conservation, support a deleterious effect. Additionally, functional studies have shown E31K damages the ability of the WAS protein to bind WIP (Rajmohan et al., 2009). In summary, this variant is likely pathogenic.

Laboratory of Research in Genomics, Genetics and Bioinformatics, Hospital Infantil de Mexico Federico Gomez
Classification: Pathogenic for Wiskott-Aldrich syndrome. Last evaluated: 2025-04-08. Review status: no assertion criteria provided. Collection method: research. Allele origin: germline. Affected: yes. Not counted in ClinVar's aggregate classification.

Literature cited by the submitters: PubMed 8528198 (cited by Labcorp Genetics (formerly Invitae), Labcorp); PubMed 8682510 (cited by Labcorp Genetics (formerly Invitae), Labcorp); PubMed 11442475 (cited by Labcorp Genetics (formerly Invitae), Labcorp); PubMed 15284122 (cited by Labcorp Genetics (formerly Invitae), Labcorp); PubMed 21185603 (cited by Labcorp Genetics (formerly Invitae), Labcorp); PubMed 22523910 (cited by Labcorp Genetics (formerly Invitae), Labcorp); PubMed 25476427 (cited by Labcorp Genetics (formerly Invitae), Labcorp); PubMed 25792466 (cited by Labcorp Genetics (formerly Invitae), Labcorp); PubMed 28623282 (cited by Labcorp Genetics (formerly Invitae), Labcorp); PubMed 19817875 (cited by Labcorp Genetics (formerly Invitae), Labcorp).

NM_000377.3(WAS):c.91G>A (p.Glu31Lys)

Gene: WAS (WASP actin nucleation promoting factor; plus strand). Cytogenetic location: Xp11.23.
Variant type: single nucleotide variant.
Coding change: c.91G>A on transcript NM_000377.3 (MANE Select); coding-DNA position 91, G replaced by A.
Protein change: p.Glu31Lys; replaces glutamic acid 31 with lysine.
Molecular consequence: missense variant.
Genome position (GRCh38, 1-based): chrX:48,683,944, G>A. VCF-style: chrX-48683944-G-A. GRCh37 (hg19) VCF-style: chrX-48542333-G-A.
Other names: short protein forms E31K.
Identifiers: ClinVar variation 528222 (VCV000528222.10), dbSNP rs1557006239, ClinGen allele CA412865672.